The following is an entry in ClinVar:

ClinVar aggregate classification (germline): Likely benign. Review status: criteria provided, single submitter (1 of 4 stars). 2 submissions from 2 submitters: Likely benign (1). 1 of the submissions does not count toward it. Last evaluated 2025-07-03.

Conditions:
TRPM1-related disorder. Also called: TRPM1-related condition.

Allele frequency attached by ClinVar (database versions not stated): gnomAD exomes below 0.00001; gnomAD 0.00001; ExAC 0.00002.
gnomAD v4.1: 7 of 1,614,034 alleles (0.00043%); highest among the groups gnomAD compares: East Asian, 0.011%; no homozygotes.

Submissions (2):

Labcorp Genetics (formerly Invitae), Labcorp
Classification: Likely benign. Last evaluated: 2025-07-03. Review status: criteria provided, single submitter. Criteria: Invitae Variant Classification Sherloc (09022015). Collection method: clinical testing. Allele origin: germline.

PreventionGenetics, part of Exact Sciences
Classification: Likely benign for TRPM1-related condition. Last evaluated: 2024-07-29. Review status: no assertion criteria provided. Collection method: clinical testing. Allele origin: germline. Not counted in ClinVar's aggregate classification.
Comment: This variant is classified as likely benign based on ACMG/AMP sequence variant interpretation guidelines (Richards et al. 2015 PMID: 25741868, with internal and published modifications).

NM_001252024.2(TRPM1):c.4260T>G (p.Thr1420=)

Gene: TRPM1 (transient receptor potential cation channel subfamily M member 1; minus strand). Cytogenetic location: 15q13.3.
Variant type: single nucleotide variant.
Coding change: c.4260T>G on transcript NM_001252024.2 (MANE Select); coding-DNA position 4260, T replaced by G.
Protein change: p.Thr1420=; no amino-acid change (threonine 1420 retained).
Molecular consequence: synonymous variant.
Genome position (GRCh38, 1-based): chr15:31,002,440, A>C on the plus strand (T>G on the coding strand, the complement: TRPM1 is on the minus strand). VCF-style: chr15-31002440-A-C. GRCh37 (hg19) VCF-style: chr15-31294643-A-C.
Other names: c.4311T>G, p.Thr1437= (NM_001252020.2); c.4194T>G, p.Thr1398= (NM_002420.6); c.4311T>G (NM_001252020.1).
Identifiers: ClinVar variation 1946237 (VCV001946237.6), dbSNP rs767400162, ClinGen allele CA7451678.